The following is an entry in ClinVar:

ClinVar aggregate classification (germline): Conflicting classifications of pathogenicity. Review status: criteria provided, conflicting classifications (1 of 4 stars). 2 submissions from 2 submitters: Uncertain significance (1); Likely benign (1). Last evaluated 2023-03-23.

Conditions:
Hereditary cancer-predisposing syndrome. Also called: Tumor predisposition; Hereditary neoplastic syndrome; Neoplastic Syndromes, Hereditary; Hereditary Cancer Syndrome. Identifiers: Orphanet 140162, MedGen C0027672, MeSH D009386, MONDO:0015356.
Hereditary breast ovarian cancer syndrome. Also called: BRCA1- and BRCA2-Associated Hereditary Breast and Ovarian Cancer; Hereditary breast and ovarian cancer; Hereditary breast and/or ovarian cancer syndrome; Hereditary breast and ovarian cancer syndrome; Hereditary breast and ovarian cancer syndrome (HBOC); Breast and ovarian cancer. Identifiers: Orphanet 145, MedGen C0677776, MeSH D061325, MONDO:0003582. Disease mechanism: loss of function.

Submissions (2):

University of Washington Department of Laboratory Medicine, University of Washington
Classification: Likely benign for Hereditary cancer-predisposing syndrome. Last evaluated: 2023-03-23. Review status: criteria provided, single submitter. Criteria: Dines et al. (Genet Med. 2020). Collection method: curation. Allele origin: germline.
Comment: Missense variant in a coldspot region where missense variants are very unlikely to be pathogenic (PMID:31911673).

BRCA2 exon 10 coldspot. Reclassification based on statistical prior probability.

Labcorp Genetics (formerly Invitae), Labcorp
Classification: Uncertain significance for Hereditary breast ovarian cancer syndrome. Last evaluated: 2021-05-28. Review status: criteria provided, single submitter. Criteria: Invitae Variant Classification Sherloc (09022015). Collection method: clinical testing. Allele origin: germline.
Comment: In summary, the available evidence is currently insufficient to determine the role of this variant in disease. Therefore, it has been classified as a Variant of Uncertain Significance. Advanced modeling of protein sequence and biophysical properties (such as structural, functional, and spatial information, amino acid conservation, physicochemical variation, residue mobility, and thermodynamic stability) performed at Invitae indicates that this missense variant is not expected to disrupt BRCA2 protein function. This variant has not been reported in the literature in individuals with BRCA2-related conditions. This variant is not present in population databases (ExAC no frequency). This sequence change replaces glutamic acid with aspartic acid at codon 342 of the BRCA2 protein (p.Glu342Asp). The glutamic acid residue is weakly conserved and there is a small physicochemical difference between glutamic acid and aspartic acid.

NM_000059.4(BRCA2):c.1026A>C (p.Glu342Asp)

Gene: BRCA2 (BRCA2 DNA repair associated; plus strand). Cytogenetic location: 13q13.1.
Variant type: single nucleotide variant.
Coding change: c.1026A>C on transcript NM_000059.4 (MANE Select); coding-DNA position 1026, A replaced by C.
Protein change: p.Glu342Asp; replaces glutamic acid 342 with aspartic acid.
Molecular consequence: missense variant.
Genome position (GRCh38, 1-based): chr13:32,332,504, A>C. VCF-style: chr13-32332504-A-C. GRCh37 (hg19) VCF-style: chr13-32906641-A-C.
Other names: short protein forms E342D.
Identifiers: ClinVar variation 1356924 (VCV001356924.9), dbSNP rs777755589, ClinGen allele CA387761145.